The following is an entry in ClinVar:

NM_014679.5(CEP57):c.818G>T (p.Arg273Met)

Gene: CEP57 (centrosomal protein 57; plus strand). Cytogenetic location: 11q21.
Variant type: single nucleotide variant.
Coding change: c.818G>T on transcript NM_014679.5 (MANE Select); coding-DNA position 818, G replaced by T.
Protein change: p.Arg273Met; replaces arginine 273 with methionine.
Molecular consequence: missense variant. On other transcripts: intron variant (1).
Genome position (GRCh38, 1-based): chr11:95,822,509, G>T. VCF-style: chr11-95822509-G-T. GRCh37 (hg19) VCF-style: chr11-95555673-G-T.
Other names: c.818G>T (NM_014679.4); c.791G>T, p.Arg264Met (NM_001243776.2); c.737G>T, p.Arg246Met (NM_001363604.2); c.807+531G>T (NM_001243777.2); short protein forms R273M, R246M, R264M.
Identifiers: ClinVar variation 1444335 (VCV001444335.10), dbSNP rs377308306, ClinGen allele CA6239615.

ClinVar aggregate classification (germline): Uncertain significance. Review status: criteria provided, multiple submitters, no conflicts (2 of 4 stars). 2 submissions from 2 submitters: Uncertain significance (2). Last evaluated 2025-10-29.

Conditions:
Mosaic variegated aneuploidy syndrome 2 (MVA2). Identifiers: Orphanet 1052, MedGen C3279843, MONDO:0013582, OMIM 614114.
Inborn genetic diseases. Identifiers: MedGen C0950123, MeSH D030342.

Allele frequency attached by ClinVar (database versions not stated): gnomAD exomes 0.00001 and 0.00002; ExAC 0.00002; ESP Exome Variant Server 0.00008; gnomAD 0.00009; TOPMed 0.00009.
gnomAD v4.1: 22 of 1,612,570 alleles (0.0014%); highest among the groups gnomAD compares: African/African-American, 0.024%; no homozygotes.

Submissions (2):

Ambry Genetics
Classification: Uncertain significance for Inborn genetic diseases. Last evaluated: 2025-10-29. Review status: criteria provided, single submitter. Criteria: Ambry Variant Classification Scheme 2023. Collection method: clinical testing. Allele origin: germline.

Labcorp Genetics (formerly Invitae), Labcorp
Classification: Uncertain significance for Mosaic variegated aneuploidy syndrome 2. Last evaluated: 2023-04-06. Review status: criteria provided, single submitter. Criteria: Invitae Variant Classification Sherloc (09022015). Collection method: clinical testing. Allele origin: germline.
Comment: In summary, the available evidence is currently insufficient to determine the role of this variant in disease. Therefore, it has been classified as a Variant of Uncertain Significance. Advanced modeling of protein sequence and biophysical properties (such as structural, functional, and spatial information, amino acid conservation, physicochemical variation, residue mobility, and thermodynamic stability) performed at Invitae indicates that this missense variant is not expected to disrupt CEP57 protein function. ClinVar contains an entry for this variant (Variation ID: 1444335). This variant has not been reported in the literature in individuals affected with CEP57-related conditions. This variant is present in population databases (rs377308306, gnomAD 0.02%). This sequence change replaces arginine, which is basic and polar, with methionine, which is neutral and non-polar, at codon 273 of the CEP57 protein (p.Arg273Met).